The following is an entry in ClinVar:

NM_001386094.1(AGBL1):c.2902A>G (p.Thr968Ala)

Gene: AGBL1 (AGBL carboxypeptidase 1; plus strand). Cytogenetic location: 15q25.3.
Variant type: single nucleotide variant.
Coding change: c.2902A>G on transcript NM_001386094.1 (MANE Select); coding-DNA position 2902, A replaced by G.
Protein change: p.Thr968Ala; replaces threonine 968 with alanine.
Molecular consequence: missense variant.
Genome position (GRCh38, 1-based): chr15:86,554,445, A>G. VCF-style: chr15-86554445-A-G. GRCh37 (hg19) VCF-style: chr15-87097676-A-G.
Other names: c.2902A>G, p.Thr968Ala (NM_152336.4); short protein forms T968A.
Identifiers: ClinVar variation 2635336 (VCV002635336.1), dbSNP rs2505286510, ClinGen allele CA393432121.
Genomic context (GRCh38, chr15:86,554,445, plus strand): 5'-CTAGCACCAGCATTCACAATGAGCAGCTGCAGCTTTCTCGTGGAGAAATCTCGAGCTTCC[A>G]CGGCCCGGGTGGTGGTGTGGAGAGAGATGGGGGTGTCCAGAAGCTACACCATGGAAAGCA-3'
Protein context (NP_001373023.1, residues 958-978): SFLVEKSRAS[Thr968Ala]ARVVVWREMG

ClinVar aggregate classification (germline): Uncertain significance (1 of 4 stars; one submission).

Conditions:
AGBL1-related disorder. Also called: AGBL1-related condition.

Submission:

PreventionGenetics, part of Exact Sciences
Classification: Uncertain significance for AGBL1-related condition. Last evaluated: 2022-11-23. Review status: criteria provided, single submitter. Criteria: ACMG Guidelines, 2015. Collection method: clinical testing. Allele origin: germline.
Comment: The AGBL1 c.2902A>G variant is predicted to result in the amino acid substitution p.Thr968Ala. To our knowledge, this variant has not been reported in the literature or in a large population database, indicating this variant is rare. At this time, the clinical significance of this variant is uncertain due to the absence of conclusive functional and genetic evidence.